The following is an entry in ClinVar:

NM_004369.4(COL6A3):c.8009C>T (p.Ala2670Val)

Gene: COL6A3 (collagen type VI alpha 3 chain; minus strand). Cytogenetic location: 2q37.3.
Variant type: single nucleotide variant.
Coding change: c.8009C>T on transcript NM_004369.4 (MANE Select); coding-DNA position 8009, C replaced by T.
Protein change: p.Ala2670Val; replaces alanine 2670 with valine.
Molecular consequence: missense variant.
Genome position (GRCh38, 1-based): chr2:237,340,907, G>A on the plus strand (C>T on the coding strand, the complement: COL6A3 is on the minus strand). VCF-style: chr2-237340907-G-A. GRCh37 (hg19) VCF-style: chr2-238249550-G-A.
Other names: c.6188C>T, p.Ala2063Val (NM_057166.5); c.7391C>T, p.Ala2464Val (NM_057167.4); short protein forms A2670V, A2464V, A2063V.
Identifiers: ClinVar variation 128822 (VCV000128822.57), dbSNP rs142851023, ClinGen allele CA231053.
Genomic context (GRCh38, chr2:237,340,907, plus strand): 5'-GTCAGGGAGAATTCCACCTTCACAGGTGGCATGCTGGCATTGTCCACGGACTCAGAGGGC[G>A]CGTGCTGCACAACTGCCACTCTGGCGAAGTGCTGGGAGGCCTTGGGATCTGGGCTCATGT-3'
Protein context (NP_004360.2, residues 2660-2680): HFARVAVVQH[Ala2670Val]PSESVDNASM

ClinVar aggregate classification (germline): Conflicting classifications of pathogenicity. Review status: criteria provided, conflicting classifications (1 of 4 stars). 10 submissions from 10 submitters: Uncertain significance (7); Likely benign (2). 1 of the submissions does not count toward it. Last evaluated 2026-06-01.

Conditions:
COL6A3-related disorder. Also called: COL6A3-related condition; COL6A3-related disorders.
Ullrich congenital muscular dystrophy 1A. Also called: Ullrich congenital muscular dystrophy 1; Intermediate COL6-RD. Identifiers: Orphanet 75840, MedGen C0410179, MONDO:0009681, OMIM 254090.
Bethlem myopathy 1A. Also called: Bethlem myopathy 1; Bethlem Muscular Dystrophy; MYOPATHY, BENIGN CONGENITAL, WITH CONTRACTURES. Identifiers: Orphanet 610, MedGen CN029274, MONDO:0024530, OMIM 158810.
Dystonia 27 (DYT27). Identifiers: Orphanet 464440, MedGen C4225336, MONDO:0014627, OMIM 616411.

Allele frequency attached by ClinVar (database versions not stated): 1000 Genomes Project 0.00020; 1000 Genomes Project 30x 0.00031; ESP Exome Variant Server 0.00038; ExAC 0.00060; gnomAD 0.00060 and 0.00061; gnomAD exomes 0.00062; TOPMed 0.00083.
gnomAD v4.1: 1,061 of 1,613,318 alleles (0.066%); highest among the groups gnomAD compares: Middle Eastern, 0.3%; 1 homozygote.

Submissions (10):

CeGaT Center for Human Genetics Tuebingen
Classification: Likely benign. Last evaluated: 2026-06-01. Review status: criteria provided, single submitter. Criteria: CeGaT Center For Human Genetics Tuebingen Variant Classification Criteria Version 2. Collection method: clinical testing. Allele origin: germline. Affected: yes. Observed: 6 variant alleles.
Comment: COL6A3: BP4

PreventionGenetics, part of Exact Sciences
Classification: Uncertain significance for COL6A3-related condition. Last evaluated: 2026-02-09. Review status: criteria provided, single submitter. Criteria: ACMG Guidelines, 2015. Collection method: clinical testing. Allele origin: germline.
Comment: The COL6A3 c.8009C>T variant is predicted to result in the amino acid substitution p.Ala2670Val. This variant has been reported in multiple individuals with muscular disorders; however, the pathogenicity of this change has not been elucidated with functional or segregation studies (Ankala et al. 2015. PubMed ID: 25380242; Table S7, Nallamilli et al. 2018. PubMed ID: 30564623; Suppl. Table 5, Meinke et al. 2019. PubMed ID: 31862442; Marinella et al. 2022. PubMed ID: 36498898). This variant is reported in 0.12% of alleles in individuals of Latino descent in gnomAD and 174 total heterozygotes. This is a higher frequency than other known pathogenic variants in the COL6A3 gene. Although we suspect this variant is benign, at this time, the clinical significance of this variant is uncertain due to the absence of conclusive functional and genetic evidence.

Labcorp Genetics (formerly Invitae), Labcorp
Classification: Likely benign for Bethlem myopathy 1A. Last evaluated: 2026-01-27. Review status: criteria provided, single submitter. Criteria: Invitae Variant Classification Sherloc (09022015). Collection method: clinical testing. Allele origin: germline.

Blueprint Genetics
Classification: Uncertain significance. Last evaluated: 2024-10-30. Review status: criteria provided, single submitter. Criteria: ACMG Guidelines, 2015. Collection method: clinical testing. Allele origin: germline.

Women's Health and Genetics/Laboratory Corporation of America, LabCorp
Classification: Uncertain significance. Last evaluated: 2024-04-04. Review status: criteria provided, single submitter. Criteria: LabCorp Variant Classification Summary - May 2015. Collection method: clinical testing. Allele origin: germline.
Comment: Variant summary: COL6A3 c.8009C>T (p.Ala2670Val) results in a non-conservative amino acid change in the encoded protein sequence. Four of five in-silico tools predict a damaging effect of the variant on protein function. The variant allele was found at a frequency of 0.00062 in 250794 control chromosomes (gnomAD). c.8009C>T has been reported in the literature in individuals affected with neuromuscular disorders without strong evidence of causality (e.g. Ankala_2015, Nallamilli_2018, Meinlke_2020, Marinella_2022). These reports do not provide unequivocal conclusions about association of the variant with Ullrich Congenital Muscular Dystrophy 1. To our knowledge, no experimental evidence demonstrating an impact on protein function has been reported. The following publications have been ascertained in the context of this evaluation (PMID: 25380242, 30564623, 31862442, 36498898). ClinVar contains an entry for this variant (Variation ID: 128822). Based on the evidence outlined above, the variant was classified as uncertain significance.

Department of Pathology and Laboratory Medicine, Sinai Health System
Classification: Uncertain significance for dystonia 27. Last evaluated: 2023-11-09. Review status: criteria provided, single submitter. Criteria: ACMG Guidelines, 2015. Collection method: research. Allele origin: germline.

Fulgent Genetics
Classification: Uncertain significance for Bethlem myopathy 1A; Ullrich congenital muscular dystrophy 1A; Dystonia 27. Last evaluated: 2017-05-23. Review status: criteria provided, single submitter. Criteria: ACMG Guidelines, 2015. Collection method: clinical testing. Allele origin: unknown.

Eurofins Ntd Llc (ga)
Classification: Uncertain significance. Last evaluated: 2017-01-20. Review status: criteria provided, single submitter. Criteria: EGL Classification Definitions 2015. Collection method: clinical testing. Allele origin: germline. Observed: 5 variant alleles, 5 heterozygotes.

Genetic Services Laboratory, University of Chicago
Classification: Uncertain significance. Last evaluated: 2013-10-23. Review status: criteria provided, single submitter. Criteria: ACMG Guidelines, 2007. Collection method: clinical testing. Allele origin: germline.

Medical Molecular Genetics Department, Human Genetics and Genome Research Division, National Research Centre
Classification: Benign for Bethlem myopathy 1A. Last evaluated: 2024-01-15. Review status: no assertion criteria provided. Collection method: clinical testing. Allele origin: germline. Observed: 1 variant allele. Not counted in ClinVar's aggregate classification.

Literature cited by the submitters: PubMed 30564623 (cited by Women's Health and Genetics/Laboratory Corporation of America, LabCorp); PubMed 31862442 (cited by Women's Health and Genetics/Laboratory Corporation of America, LabCorp); PubMed 25380242 (cited by Women's Health and Genetics/Laboratory Corporation of America, LabCorp); PubMed 36498898 (cited by Women's Health and Genetics/Laboratory Corporation of America, LabCorp).